The following is an entry in ClinVar:

NM_000426.4(LAMA2):c.4860+1G>T

Gene: LAMA2 (laminin subunit alpha 2; plus strand). Cytogenetic location: 6q22.33.
Variant type: single nucleotide variant.
Coding change: c.4860+1G>T on transcript NM_000426.4 (MANE Select); the canonical splice donor site of the intron after coding-DNA position 4860, G replaced by T.
Molecular consequence: splice donor variant.
Genome position (GRCh38, 1-based): chr6:129,366,362, G>T. VCF-style: chr6-129366362-G-T. GRCh37 (hg19) VCF-style: chr6-129687507-G-T.
Other names: c.4860+1G>T (NM_001079823.2).
Identifiers: ClinVar variation 4857006 (VCV004857006.1).
Genomic context (GRCh38, chr6:129,366,362, plus strand): 5'-CCGCTGCCTGCGCCATATAAAATGCTGTATGGTCTTGAAAATATGACTCAGGAGCTAAAG[G>T]TAGGTTGGTGCAGTCACAAGCAAGGGCCAGGGACAAGGTGACAGAAGCTTCACAAGCGGT-3'

ClinVar aggregate classification (germline): Likely pathogenic (1 of 4 stars; one submission).

Conditions:
Merosin deficient congenital muscular dystrophy (MDC1A). Also called: Congenital merosin-deficient muscular dystrophy 1A; Congenital Muscular Dystrophy Type 1A (MDC1A). Identifiers: Orphanet 258, MedGen C1263858, MONDO:0011925, OMIM 607855.

Submission:

Institute of Medical Genetics and Genomics, Sir Ganga Ram Hospital
Classification: Likely pathogenic for Merosin deficient congenital muscular dystrophy. Review status: criteria provided, single submitter. Criteria: ACMG Guidelines, 2015. Collection method: clinical testing. Allele origin: germline. Inheritance: Autosomal recessive inheritance. Affected: yes. Observed: 1 variant allele, 1 homozygote.
Comment: A homozygous 1 base single nucleotide variant (SNV) has been identified in LAMA2 gene. This change is present in intron 33 of this gene, predicted to impact the splicing mechanism [PVS1]. This intron variants is not present in the gnomAD (aggregated) database [PM2]. To our knowledge the identified variant is neither submitted to clinvar database nor any published studies available. In-silico prediction tools SpliceAI (Score=1.00) predict a splicing impact of the intronic variant [PP3] Based on the available evidences, and phenotypic overlap with the clinical symptoms of the proband, the variant has been clasified as “ Likely Pathogenic”.